The following is an entry in ClinVar:

NM_000038.6(APC):c.2599A>G (p.Thr867Ala)

Gene: APC (APC regulator of Wnt signaling pathway; plus strand). Cytogenetic location: 5q22.2.
Variant type: single nucleotide variant.
Coding change: c.2599A>G on transcript NM_000038.6 (MANE Select); coding-DNA position 2599, A replaced by G.
Protein change: p.Thr867Ala; replaces threonine 867 with alanine.
Molecular consequence: missense variant.
Genome position (GRCh38, 1-based): chr5:112,838,193, A>G. VCF-style: chr5-112838193-A-G. GRCh37 (hg19) VCF-style: chr5-112173890-A-G.
Other names: c.2599A>G, p.Thr867Ala (NM_001127510.3, NM_001354895.2); c.2545A>G, p.Thr849Ala (NM_001127511.3); c.2653A>G, p.Thr885Ala (NM_001354896.2); c.2629A>G, p.Thr877Ala (NM_001354897.2); c.2524A>G, p.Thr842Ala (NM_001354898.2); c.2515A>G, p.Thr839Ala (NM_001354899.2); c.2476A>G, p.Thr826Ala (NM_001354900.2); c.2422A>G, p.Thr808Ala (NM_001354901.2); and 5 more; short protein forms T849A, T867A, T584A, T707A, T741A, T826A, T839A, T885A.
Identifiers: ClinVar variation 489428 (VCV000489428.6), dbSNP rs1554084294, ClinGen allele CA16027021.

ClinVar aggregate classification (germline): Uncertain significance (1 of 4 stars; one submission).

Conditions:
Hereditary cancer-predisposing syndrome. Also called: Hereditary Cancer Syndrome; Neoplastic Syndromes, Hereditary; Tumor predisposition; Hereditary neoplastic syndrome. Identifiers: Orphanet 140162, MedGen C0027672, MeSH D009386, MONDO:0015356.

Submission:

Color Diagnostics, LLC DBA Color Health
Classification: Uncertain significance for Hereditary cancer-predisposing syndrome. Last evaluated: 2023-12-05. Review status: criteria provided, single submitter. Criteria: ACMG Guidelines, 2015. Collection method: clinical testing. Allele origin: germline.
Comment: This missense variant replaces threonine with alanine at codon 867 of the APC protein. Computational prediction suggests that this variant may not impact protein structure and function (internally defined REVEL score threshold <= 0.5, PMID: 27666373). To our knowledge, functional studies have not been reported for this variant. This variant has not been reported in individuals affected with APC-related disorders in the literature. This variant has not been identified in the general population by the Genome Aggregation Database (gnomAD). The available evidence is insufficient to determine the role of this variant in disease conclusively. Therefore, this variant is classified as a Variant of Uncertain Significance.